The following is an entry in ClinVar:

ClinVar aggregate classification (germline): Likely pathogenic (1 of 4 stars; one submission).

Allele frequency attached by ClinVar (database versions not stated): gnomAD exomes 0.00001.
gnomAD v4.1: 3 of 1,614,110 alleles (0.00019%); highest among the groups gnomAD compares: South Asian, 0.0022%; no homozygotes.

Submission:

GeneDx
Classification: Likely pathogenic. Last evaluated: 2022-08-29. Review status: criteria provided, single submitter. Criteria: GeneDx Variant Classification Process June 2021. Collection method: clinical testing. Allele origin: germline. Affected: yes.
Comment: Reported in an individual with HCM who also harbored p.R21L in the TPM1 gene (Lamounier Junior et al., 2021); Not observed at significant frequency in large population cohorts (gnomAD); In silico analysis supports that this missense variant has a deleterious effect on protein structure/function; In silico analysis suggests this variant may impact gene splicing. In the absence of RNA/functional studies, the actual effect of this sequence change is unknown.; This variant is associated with the following publications: (PMID: 27532257, 29300372, 33642254)

NM_000257.4(MYH7):c.1053G>T (p.Lys351Asn)

Gene: MYH7 (myosin heavy chain 7; minus strand). Cytogenetic location: 14q11.2.
Variant type: single nucleotide variant.
Coding change: c.1053G>T on transcript NM_000257.4 (MANE Select); coding-DNA position 1053, G replaced by T.
Protein change: p.Lys351Asn; replaces lysine 351 with asparagine.
Molecular consequence: missense variant.
Genome position (GRCh38, 1-based): chr14:23,429,860, C>A on the plus strand (G>T on the coding strand, the complement: MYH7 is on the minus strand). VCF-style: chr14-23429860-C-A. GRCh37 (hg19) VCF-style: chr14-23899069-C-A.
Other names: c.1053G>T, p.Lys351Asn (NM_001407004.1); short protein forms K351N.
Identifiers: ClinVar variation 2442446 (VCV002442446.1), dbSNP rs1478915084, ClinGen allele CA389051459.